The following is an entry in ClinVar:

NM_004994.3(MMP9):c.45C>T (p.Gly15=)

Gene: MMP9 (matrix metallopeptidase 9; plus strand). Cytogenetic location: 20q13.12.
Variant type: single nucleotide variant.
Coding change: c.45C>T on transcript NM_004994.3 (MANE Select); coding-DNA position 45, C replaced by T.
Protein change: p.Gly15=; no amino-acid change (glycine 15 retained).
Molecular consequence: synonymous variant.
Genome position (GRCh38, 1-based): chr20:46,008,971, C>T. VCF-style: chr20-46008971-C-T. GRCh37 (hg19) VCF-style: chr20-44637610-C-T.
Identifiers: ClinVar variation 338544 (VCV000338544.18), dbSNP rs28763885, ClinGen allele CA9886304.

ClinVar aggregate classification (germline): Benign/Likely benign. Review status: criteria provided, multiple submitters, no conflicts (2 of 4 stars). 4 submissions from 4 submitters: Benign (2); Likely benign (2). Last evaluated 2026-01-26.

Conditions:
Metaphyseal anadysplasia 2 (MANDP2). Also called: Metaphyseal anadysplasia 2, autosomal recessive. Identifiers: Orphanet 1040, MedGen C2751322, MONDO:0013113, OMIM 613073.

Allele frequency attached by ClinVar (database versions not stated): gnomAD exomes 0.00104 and 0.00276; ExAC 0.00319; 1000 Genomes Project 0.00978; 1000 Genomes Project 30x 0.01031; gnomAD 0.01124 and 0.01208; TOPMed 0.01262; ESP Exome Variant Server 0.01353.
gnomAD v4.1: 3,309 of 1,613,970 alleles (0.21%); highest among the groups gnomAD compares: African/African-American, 3.9%; 61 homozygotes.

Submissions (4):

Labcorp Genetics (formerly Invitae), Labcorp
Classification: Benign. Last evaluated: 2026-01-26. Review status: criteria provided, single submitter. Criteria: Invitae Variant Classification Sherloc (09022015). Collection method: clinical testing. Allele origin: germline.

GeneDx
Classification: Likely benign. Last evaluated: 2020-09-16. Review status: criteria provided, single submitter. Criteria: GeneDx Variant Classification Process June 2021. Collection method: clinical testing. Allele origin: germline. Affected: yes.

Illumina Laboratory Services, Illumina
Classification: Benign for Metaphyseal anadysplasia 2. Last evaluated: 2018-01-13. Review status: criteria provided, single submitter. Criteria: ICSL Variant Classification Criteria 13 December 2019. Collection method: clinical testing. Allele origin: germline.
Comment: This variant was observed in the ICSL laboratory as part of a predisposition screen in an ostensibly healthy population. It had not been previously curated by ICSL or reported in the Human Gene Mutation Database (HGMD: prior to June 1st, 2018), and was therefore a candidate for classification through an automated scoring system. Utilizing variant allele frequency, disease prevalence and penetrance estimates, and inheritance mode, an automated score was calculated to assess if this variant is too frequent to cause the disease. Based on the score and internal cut-off values, a variant classified as benign is not then subjected to further curation. The score for this variant resulted in a classification of benign for this disease.

Breakthrough Genomics
Classification: Likely benign. Review status: criteria provided, single submitter. Criteria: ACMG Guidelines, 2015. Collection method: not provided. Allele origin: germline. Inheritance: Autosomal recessive inheritance. Affected: yes.